The following is an entry in ClinVar:

NM_001130698.2(TRPC3):c.158C>T (p.Pro53Leu)

Gene: TRPC3 (transient receptor potential cation channel subfamily C member 3; minus strand). Cytogenetic location: 4q27.
Variant type: single nucleotide variant.
Coding change: c.158C>T on transcript NM_001130698.2 (MANE Select); coding-DNA position 158, C replaced by T.
Protein change: p.Pro53Leu; replaces proline 53 with leucine.
Molecular consequence: missense variant.
Genome position (GRCh38, 1-based): chr4:121,951,523, G>A on the plus strand (C>T on the coding strand, the complement: TRPC3 is on the minus strand). VCF-style: chr4-121951523-G-A. GRCh37 (hg19) VCF-style: chr4-122872678-G-A.
Other names: c.158C>T, p.Pro53Leu (NM_001366479.2); short protein forms P53L.
Identifiers: ClinVar variation 3031596 (VCV003031596.3), dbSNP rs1283147679, ClinGen allele CA358053066.

ClinVar aggregate classification (germline): Uncertain significance. Review status: criteria provided, single submitter (1 of 4 stars). 2 submissions from 2 submitters: Uncertain significance (1). 1 of the submissions does not count toward it. Last evaluated 2024-01-04.

Conditions:
TRPC3-related disorder. Also called: TRPC3-related condition.

Allele frequency attached by ClinVar (database versions not stated): gnomAD 0.00001; TOPMed 0.00001.
gnomAD v4.1: 17 of 1,389,726 alleles (0.0012%); highest among the groups gnomAD compares: African/African-American, 0.0015%; no homozygotes.

Submissions (2):

Women's Health and Genetics/Laboratory Corporation of America, LabCorp
Classification: Uncertain significance. Last evaluated: 2024-01-04. Review status: criteria provided, single submitter. Criteria: LabCorp Variant Classification Summary - May 2015. Collection method: clinical testing. Allele origin: germline.
Comment: Variant summary: TRPC3 c.158C>T (p.Pro53Leu) results in a non-conservative amino acid change in the encoded protein sequence. Three of five in-silico tools predict a benign effect of the variant on protein function. The frequency data for this variant in gnomAD is considered unreliable, as metrics indicate poor data quality at this position. To our knowledge, no occurrence of c.158C>T in individuals affected with Spinocerebellar Ataxia Type 41 and no experimental evidence demonstrating its impact on protein function have been reported. No submitters have cited clinical-significance assessments for this variant to ClinVar after 2014. Based on the evidence outlined above, the variant was classified as uncertain significance.

PreventionGenetics, part of Exact Sciences
Classification: Uncertain significance for TRPC3-related condition. Last evaluated: 2024-02-25. Review status: no assertion criteria provided. Collection method: clinical testing. Allele origin: germline. Not counted in ClinVar's aggregate classification.
Comment: The TRPC3 c.158C>T variant is predicted to result in the amino acid substitution p.Pro53Leu. To our knowledge, this variant has not been reported in the literature or in a large population database, indicating this variant is rare. At this time, the clinical significance of this variant is uncertain due to the absence of conclusive functional and genetic evidence.